The following is an entry in ClinVar:

ClinVar aggregate classification (germline): Uncertain significance. Review status: criteria provided, multiple submitters, no conflicts (2 of 4 stars). 2 submissions from 2 submitters: Uncertain significance (2). Last evaluated 2026-07-07.

Conditions:
Hereditary cancer-predisposing syndrome. Also called: Tumor predisposition; Hereditary neoplastic syndrome; Hereditary Cancer Syndrome; Neoplastic Syndromes, Hereditary. Identifiers: Orphanet 140162, MedGen C0027672, MeSH D009386, MONDO:0015356.
Mitochondrial complex II deficiency, nuclear type 1. Also called: SUCCINATE CoQ REDUCTASE DEFICIENCY. Identifiers: Orphanet 3208, MedGen C5700310, MONDO:0100294, OMIM 252011.
Pheochromocytoma/paraganglioma syndrome 5. Also called: Paragangliomas 5; SDHA-Related Hereditary Paraganglioma-Pheochromocytoma Syndrome. Identifiers: Orphanet 29072, MedGen C3279992, MONDO:0013602, OMIM 614165.

Submissions (2):

Ambry Genetics
Classification: Uncertain significance for Hereditary cancer-predisposing syndrome. Last evaluated: 2026-07-07. Review status: criteria provided, single submitter. Criteria: Ambry Variant Classification Scheme 2023. Collection method: clinical testing. Allele origin: germline.
Comment: The p.S272G variant (also known as c.814A>G), located in coding exon 7 of the SDHA gene, results from an A to G substitution at nucleotide position 814. The serine at codon 272 is replaced by glycine, an amino acid with similar properties. This amino acid position is conserved. In addition, this alteration is predicted to be deleterious by in silico analysis. Based on the available evidence, the clinical significance of this variant remains unclear.

Labcorp Genetics (formerly Invitae), Labcorp
Classification: Uncertain significance for Pheochromocytoma/paraganglioma syndrome 5; Mitochondrial complex II deficiency, nuclear type 1. Last evaluated: 2024-06-28. Review status: criteria provided, single submitter. Criteria: Invitae Variant Classification Sherloc (09022015). Collection method: clinical testing. Allele origin: germline.
Comment: This sequence change replaces serine, which is neutral and polar, with glycine, which is neutral and non-polar, at codon 272 of the SDHA protein (p.Ser272Gly). This variant is present in population databases (rs750081578, gnomAD 0.003%). This variant has not been reported in the literature in individuals affected with SDHA-related conditions. Advanced modeling of protein sequence and biophysical properties (such as structural, functional, and spatial information, amino acid conservation, physicochemical variation, residue mobility, and thermodynamic stability) performed at Invitae indicates that this missense variant is not expected to disrupt SDHA protein function with a negative predictive value of 95%. In summary, the available evidence is currently insufficient to determine the role of this variant in disease. Therefore, it has been classified as a Variant of Uncertain Significance.

NM_004168.4(SDHA):c.814A>G (p.Ser272Gly)

Gene: SDHA (succinate dehydrogenase complex flavoprotein subunit A; plus strand). Cytogenetic location: 5p15.33.
Variant type: single nucleotide variant.
Coding change: c.814A>G on transcript NM_004168.4 (MANE Select); coding-DNA position 814, A replaced by G.
Protein change: p.Ser272Gly; replaces serine 272 with glycine.
Molecular consequence: missense variant.
Genome position (GRCh38, 1-based): chr5:230,919, A>G. VCF-style: chr5-230919-A-G. GRCh37 (hg19) VCF-style: chr5-231034-A-G.
Other names: c.814A>G (NM_004168.2); c.670A>G, p.Ser224Gly (NM_001294332.2); c.814A>G, p.Ser272Gly (NM_001330758.2); short protein forms S224G, S272G.
Identifiers: ClinVar variation 3754192 (VCV003754192.3).